The following is an entry in ClinVar:

ClinVar aggregate classification (germline): Conflicting classifications of pathogenicity. Review status: criteria provided, conflicting classifications (1 of 4 stars). 6 submissions from 6 submitters: Uncertain significance (2); Benign (1); Likely benign (2). 1 of the submissions does not count toward it. Last evaluated 2026-02-01.

Conditions:
FUS-related disorder. Also called: FUS-related condition.
Inborn genetic diseases. Identifiers: MedGen C0950123, MeSH D030342.
Tremor, hereditary essential, 4 (ETM4). Identifiers: MedGen C3539195, MONDO:0013888, OMIM 614782.
Amyotrophic lateral sclerosis type 6. Also called: FUS-Related Amyotrophic Laterial Sclerosis; AMYOTROPHIC LATERAL SCLEROSIS 6 WITHOUT FRONTOTEMPORAL DEMENTIA; Amyotrophic lateral sclerosis 6, with or without frontotemporal dementia. Identifiers: Orphanet 275872, Orphanet 803, MedGen C2931786, MONDO:0011951, OMIM 608030.

Allele frequency attached by ClinVar (database versions not stated): gnomAD exomes 0.00015 and 0.00026; 1000 Genomes Project 30x 0.00016; ExAC 0.00019; 1000 Genomes Project 0.00020; ESP Exome Variant Server 0.00023; gnomAD 0.00031 and 0.00033; TOPMed 0.00046.
gnomAD v4.1: 281 of 1,614,222 alleles (0.017%); highest among the groups gnomAD compares: Middle Eastern, 0.35%; no homozygotes.

Submissions (6):

Labcorp Genetics (formerly Invitae), Labcorp
Classification: Benign for Tremor, hereditary essential, 4; Amyotrophic lateral sclerosis type 6. Last evaluated: 2026-02-01. Review status: criteria provided, single submitter. Criteria: Invitae Variant Classification Sherloc (09022015). Collection method: clinical testing. Allele origin: germline.

Mayo Clinic Laboratories, Mayo Clinic
Classification: Likely benign. Last evaluated: 2025-06-09. Review status: criteria provided, single submitter. Criteria: ACMG Guidelines, 2015. Collection method: clinical testing. Allele origin: germline. Observed: 1 variant allele.
Comment: BS2, BP4

Ambry Genetics
Classification: Likely benign for Inborn genetic diseases. Last evaluated: 2019-11-25. Review status: criteria provided, single submitter. Criteria: Ambry Variant Classification Scheme 2023. Collection method: clinical testing. Allele origin: germline.

CeGaT Center for Human Genetics Tuebingen
Classification: Uncertain significance. Last evaluated: 2016-06-01. Review status: criteria provided, single submitter. Criteria: CeGaT Center For Human Genetics Tuebingen Variant Classification Criteria Version 2. Collection method: clinical testing. Allele origin: germline. Affected: yes. Observed: 1 variant allele.

Breakthrough Genomics
Classification: Uncertain significance. Review status: criteria provided, single submitter. Criteria: ACMG Guidelines, 2015. Collection method: not provided. Allele origin: germline. Inheritance: Autosomal dominant inheritance. Affected: yes.

PreventionGenetics, part of Exact Sciences
Classification: Likely benign for FUS-related condition. Last evaluated: 2022-06-27. Review status: no assertion criteria provided. Collection method: clinical testing. Allele origin: germline. Not counted in ClinVar's aggregate classification.
Comment: This variant is classified as likely benign based on ACMG/AMP sequence variant interpretation guidelines (Richards et al. 2015 PMID: 25741868, with internal and published modifications).

Literature cited by the submitters: PubMed 19741216 (cited by Mayo Clinic Laboratories, Mayo Clinic); PubMed 25631824 (cited by Mayo Clinic Laboratories, Mayo Clinic); PubMed 26526393 (cited by Mayo Clinic Laboratories, Mayo Clinic); PubMed 38540370 (cited by Mayo Clinic Laboratories, Mayo Clinic); PubMed 39976178 (cited by Mayo Clinic Laboratories, Mayo Clinic).

NM_004960.4(FUS):c.188A>G (p.Asn63Ser)

Gene: FUS (FUS DNA/RNA binding protein; plus strand). Cytogenetic location: 16p11.2.
Variant type: single nucleotide variant.
Coding change: c.188A>G on transcript NM_004960.4 (MANE Select); coding-DNA position 188, A replaced by G.
Protein change: p.Asn63Ser; replaces asparagine 63 with serine.
Molecular consequence: missense variant. On other transcripts: non-coding transcript variant (1).
Genome position (GRCh38, 1-based): chr16:31,182,662, A>G. VCF-style: chr16-31182662-A-G. GRCh37 (hg19) VCF-style: chr16-31193983-A-G.
Other names: p.Asn63Ser; c.188A>G, p.Asn63Ser (NM_001170634.1, NM_001170937.1); short protein forms N63S.
Identifiers: ClinVar variation 808036 (VCV000808036.52), dbSNP rs140883211, ClinGen allele CA8023461.
Genomic context (GRCh38, chr16:31,182,662, plus strand): 5'-AGTCCACGGACACTTCAGGCTATGGCCAGAGCAGCTATTCTTCTTATGGCCAGAGCCAGA[A>G]CAGTGAGTCTTTCTCAGCGGGTCACCTCTTCCTACTCTTTCTGAATATTGCTTTTCTTTT-3'
Protein context (NP_004951.1, residues 53-73): SSYSSYGQSQ[Asn63Ser]TGYGTQSTPQ